The following is an entry in ClinVar:

NM_001365276.2(TNXB):c.3682_3685del (p.Phe1228fs)

Gene: TNXB (tenascin XB; minus strand). Cytogenetic location: 6p21.33.
Variant type: Deletion.
Coding change: c.3682_3685del on transcript NM_001365276.2 (MANE Select); coding-DNA positions 3682 to 3685, 4 bases deleted (TTTG; older notation c.3682_3685delTTTG).
Protein change: p.Phe1228fs; shifts the reading frame from phenylalanine 1228.
Molecular consequence: frameshift variant.
Genome position (GRCh38, 1-based): chr6:32,082,087-32,082,090, CAAA deleted on the plus strand (TTTG on the coding strand, the reverse complement: TNXB is on the minus strand); deleting any 4 consecutive bases within chr6:32,082,087-32,082,092 gives the same sequence; the c. name uses the placement nearest the transcript's 3' end. VCF-style (leftmost placement, unchanged base first): chr6-32082086-CCAAA-C. GRCh37 (hg19) VCF-style: chr6-32049863-CCAAA-C.
Other names: c.4423_4426del, p.Phe1475fs (NM_001428335.1); c.3682_3685del, p.Phe1228fs (NM_019105.8); short protein forms F1228fs, F1475fs.
Identifiers: ClinVar variation 5014260 (VCV005014260.1).
Genomic context (GRCh38, chr6:32,082,086, plus strand): 5'-TGCTACTCACCAGTGGTGCCATCGGCCGTGAGGGGGCCATACCGCTTCTTGTTCGCAATT[CCAAA>C]CAGAGTGAATCTGTACTTGTGGTCAGGGTCCAGTGAGGAGACAACAAATGAACGCTCGGG-3'

ClinVar aggregate classification (germline): Pathogenic (1 of 4 stars; one submission).

Conditions:
Ehlers-Danlos syndrome due to tenascin-X deficiency (EDSCLL1). Also called: Ehlers-Danlos syndrome, classic-like, 1; EHLERS-DANLOS SYNDROME, CLASSIC-LIKE; TNXB-Related Classical-Like Ehlers-Danlos Syndrome; EDS DUE TO TNX DEFICIENCY; TNX DEFICIENCY. Identifiers: Orphanet 230839, MedGen C1848029, MONDO:0011670, OMIM 606408.

Submission:

Myriad Genetics, Inc.
Classification: Pathogenic for Ehlers-Danlos syndrome due to tenascin-X deficiency. Last evaluated: 2025-03-25. Review status: criteria provided, single submitter. Criteria: Myriad Autosomal Dominant, Autosomal Recessive and X-Linked Classification Criteria (2023). Collection method: clinical testing. Allele origin: unknown.
Comment: NM_019105.6(TNXB):c.3682_3685delTTTG(F1228Efs*39) is expected to be pathogenic in the context of classical-like Ehlers-Danlos syndrome, TNXB-related. This variant is predicted to lead to an abnormal or absent protein product due to the creation of a premature termination codon in TNXB, a gene where loss-of-function variants are known to be pathogenic. Please note: this variant was assessed in the context of healthy population screening.